The following is an entry in ClinVar:

ClinVar aggregate classification (germline): Uncertain significance. Review status: criteria provided, multiple submitters, no conflicts (2 of 4 stars). 3 submissions from 3 submitters: Uncertain significance (3). Last evaluated 2024-04-30.

Conditions:
Hereditary cancer-predisposing syndrome. Also called: Hereditary Cancer Syndrome; Tumor predisposition; Neoplastic Syndromes, Hereditary; Hereditary neoplastic syndrome. Identifiers: Orphanet 140162, MedGen C0027672, MeSH D009386, MONDO:0015356.
Ataxia-telangiectasia syndrome (AT). Also called: ATAXIA-TELANGIECTASIA, COMPLEMENTATION GROUP A; ATAXIA-TELANGIECTASIA, FRESNO VARIANT; Ataxia-telangiectasia; Ataxia-telangiectasia, complementation group E; Cerebello-oculocutaneous telangiectasia; Immunodeficiency with ataxia telangiectasia. Identifiers: Orphanet 100, MedGen C0004135, MONDO:0008840, OMIM 208900.

Submissions (3):

Labcorp Genetics (formerly Invitae), Labcorp
Classification: Uncertain significance for Ataxia-telangiectasia syndrome. Last evaluated: 2024-04-30. Review status: criteria provided, single submitter. Criteria: Invitae Variant Classification Sherloc (09022015). Collection method: clinical testing. Allele origin: germline.
Comment: This sequence change replaces arginine, which is basic and polar, with methionine, which is neutral and non-polar, at codon 2973 of the ATM protein (p.Arg2973Met). This variant is not present in population databases (gnomAD no frequency). This variant has not been reported in the literature in individuals affected with ATM-related conditions. ClinVar contains an entry for this variant (Variation ID: 181904). An algorithm developed to predict the effect of missense changes on protein structure and function (PolyPhen-2) suggests that this variant is likely to be disruptive. In summary, the available evidence is currently insufficient to determine the role of this variant in disease. Therefore, it has been classified as a Variant of Uncertain Significance.

Ambry Genetics
Classification: Uncertain significance for Hereditary cancer-predisposing syndrome. Last evaluated: 2023-09-10. Review status: criteria provided, single submitter. Criteria: Ambry Variant Classification Scheme 2023. Collection method: clinical testing. Allele origin: germline.
Comment: The p.R2973M variant (also known as c.8918G>T), located in coding exon 61 of the ATM gene, results from a G to T substitution at nucleotide position 8918. The arginine at codon 2973 is replaced by methionine, an amino acid with similar properties. This amino acid position is highly conserved in available vertebrate species. In addition, the in silico prediction for this alteration is inconclusive. Since supporting evidence is limited at this time, the clinical significance of this alteration remains unclear.

GeneDx
Classification: Uncertain significance. Last evaluated: 2014-08-07. Review status: criteria provided, single submitter. Criteria: GeneDx Variant Classification (06012015). Collection method: clinical testing. Allele origin: germline. Affected: yes.
Comment: This variant is denoted ATM c.8918G>T at the cDNA level, p.Arg2973Met (R2973M) at the protein level, and results in the change of an Arginine to a Methionine (AGG>ATG). This variant has not, to our knowledge, been published in the literature as pathogenic or benign. ATM Arg2973Met was not observed in approximately 6,500 individuals of European and African American ancestry in the NHLBI Exome Sequencing Project, indicating it is not a common benign variant in these populations. Since Arginine and Methionine differ in polarity, charge, size or other properties, this is considered a non-conservative amino acid substitution. ATM Arg2973Met occurs at a position that is highly conserved through mammals and is located in the region of interaction with p53 (Tavtigian 2009). In silico analyses are inconsistent regarding the effect this variant may have on protein structure and function. Based on currently available information, it is unclear whether ATM Arg2973Met is pathogenic or benign. We consider it to be a variant of uncertain significance.

NM_000051.4(ATM):c.8918G>T (p.Arg2973Met)

Genes: C11orf65 (chromosome 11 open reading frame 65; minus strand), ATM (ATM serine/threonine kinase; plus strand). Cytogenetic location: 11q22.3.
Variant type: single nucleotide variant.
Coding change: c.8918G>T on transcript NM_000051.4 (MANE Select); coding-DNA position 8918, G replaced by T.
Protein change: p.Arg2973Met; replaces arginine 2973 with methionine.
Molecular consequence: missense variant. On other transcripts: intron variant (2).
Genome position (GRCh38, 1-based): chr11:108,365,149, G>T. VCF-style: chr11-108365149-G-T. GRCh37 (hg19) VCF-style: chr11-108235876-G-T.
Other names: p.R2973M:AGG>ATG; c.8918G>T, p.Arg2973Met (NM_001351834.2); c.640+20771C>A (NM_001330368.2); c.694+20771C>A (NM_001351110.2); short protein forms R2973M.
Identifiers: ClinVar variation 181904 (VCV000181904.10), dbSNP rs730881331, ClinGen allele CA298096.
Genomic context (GRCh38, chr11:108,365,149, plus strand): 5'-TATATGATCCACTCTTTGACTGGACCATGAATCCTTTGAAAGCTTTGTATTTACAGCAGA[G>T]GCCGGAAGATGAAACTGAGCTTCACCCTACTCTGAATGCAGATGACCAAGAATGCAAACG-3'
Protein context (NP_000042.3, residues 2963-2983): NPLKALYLQQ[Arg2973Met]PEDETELHPT